The following is an entry in ClinVar:

ClinVar aggregate classification (germline): Likely benign. Review status: criteria provided, multiple submitters, no conflicts (2 of 4 stars). 3 submissions from 3 submitters: Likely benign (2). 1 of the submissions does not count toward it. Last evaluated 2025-06-15.

Conditions:
Idiopathic Pulmonary Fibrosis. Also called: Idiopathic fibrosing alveolitis, chronic form; idiopathic fibrosing alveolitis. Identifiers: Orphanet 2032, MedGen C1800706, MeSH D054990, MONDO:0800504.
Dyskeratosis congenita, autosomal dominant 2. Identifiers: MedGen C3151443, MONDO:0013521, OMIM 613989.
Dyskeratosis congenita. Identifiers: Orphanet 1775, MedGen C0265965, MONDO:0015780.
TERT-related disorder. Also called: TERT-related disorders; TERT-related condition.

Allele frequency attached by ClinVar (database versions not stated): ExAC 0.00002.
gnomAD v4.1: 5 of 1,590,360 alleles (0.00031%); highest among the groups gnomAD compares: Non-Finnish European, 0.00034%; no homozygotes.

Submissions (3):

Labcorp Genetics (formerly Invitae), Labcorp
Classification: Likely benign for Dyskeratosis congenita, autosomal dominant 2; Idiopathic Pulmonary Fibrosis. Last evaluated: 2025-06-15. Review status: criteria provided, single submitter. Criteria: Invitae Variant Classification Sherloc (09022015). Collection method: clinical testing. Allele origin: germline.

Ambry Genetics
Classification: Likely benign for Dyskeratosis congenita. Last evaluated: 2022-09-12. Review status: criteria provided, single submitter. Criteria: Ambry Variant Classification Scheme 2023. Collection method: clinical testing. Allele origin: germline.

PreventionGenetics, part of Exact Sciences
Classification: Likely benign for TERT-related condition. Last evaluated: 2023-05-17. Review status: no assertion criteria provided. Collection method: clinical testing. Allele origin: germline. Not counted in ClinVar's aggregate classification.
Comment: This variant is classified as likely benign based on ACMG/AMP sequence variant interpretation guidelines (Richards et al. 2015 PMID: 25741868, with internal and published modifications).

NM_198253.3(TERT):c.468C>T (p.Cys156=)

Gene: TERT (telomerase reverse transcriptase; minus strand). Cytogenetic location: 5p15.33.
Variant type: single nucleotide variant.
Coding change: c.468C>T on transcript NM_198253.3 (MANE Select); coding-DNA position 468, C replaced by T.
Protein change: p.Cys156=; no amino-acid change (cysteine 156 retained).
Molecular consequence: synonymous variant. On other transcripts: non-coding transcript variant (2).
Genome position (GRCh38, 1-based): chr5:1,294,418, G>A on the plus strand (C>T on the coding strand, the complement: TERT is on the minus strand). VCF-style: chr5-1294418-G-A. GRCh37 (hg19) VCF-style: chr5-1294533-G-A.
Other names: c.468C>T, p.Cys156= (NM_001193376.3).
Identifiers: ClinVar variation 570843 (VCV000570843.13), dbSNP rs755843023, ClinGen allele CA3184972.
Genomic context (GRCh38, chr5:1,294,418, plus strand): 5'-GTACAGCGGCGGCCCGCACACCTGGTAGGCGCAGCTGGGAGCCACCAGCACAAAGAGCGC[G>A]CAGCGTGCCAGCAGGTGAACCAGCACGTCGTCGCCCACGCGGCGCAGCAGCAGCCCCCAC-3'
Protein context (NP_937983.2, residues 146-166): DDVLVHLLAR[Cys156=]ALFVLVAPSC